The following is an entry in ClinVar:

ClinVar aggregate classification (germline): Likely benign (1 of 4 stars; one submission).

Conditions:
IFT172-related disorder. Also called: IFT172-related condition; IFT172-related disorders.

gnomAD v4.1: 1 of 1,613,704 alleles (0.000062%); highest among the groups gnomAD compares: Non-Finnish European, 0.000085%; no homozygotes.

Submission:

PreventionGenetics, part of Exact Sciences
Classification: Likely benign for IFT172-related condition. Last evaluated: 2025-12-05. Review status: criteria provided, single submitter. Criteria: ACMG Guidelines, 2015. Collection method: clinical testing. Allele origin: germline.
Comment: This variant is classified as likely benign based on ACMG/AMP sequence variant interpretation guidelines (Richards et al. 2015 PMID: 25741868, with internal and published modifications).

NM_015662.3(IFT172):c.1938-4A>G

Gene: IFT172 (intraflagellar transport 172; minus strand). Cytogenetic location: 2p23.3.
Variant type: single nucleotide variant.
Coding change: c.1938-4A>G on transcript NM_015662.3 (MANE Select); 4 bases into the intron before coding-DNA position 1938, A replaced by G.
Molecular consequence: intron variant.
Genome position (GRCh38, 1-based): chr2:27,463,185, T>C on the plus strand (A>G on the coding strand, the complement: IFT172 is on the minus strand). VCF-style: chr2-27463185-T-C. GRCh37 (hg19) VCF-style: chr2-27686052-T-C.
Other names: c.1872-4A>G (NM_001410739.1).
Identifiers: ClinVar variation 4994656 (VCV004994656.1).